The following is an entry in ClinVar:

NM_015602.4(TOR1AIP1):c.413C>T (p.Pro138Leu)

Genes: TOR1AIP1 (torsin 1A interacting protein 1; plus strand), LOC112577517 (Sharpr-MPRA regulatory region 13766; plus strand). Cytogenetic location: 1q25.2.
Variant type: single nucleotide variant.
Coding change: c.413C>T on transcript NM_015602.4 (MANE Select); coding-DNA position 413, C replaced by T.
Protein change: p.Pro138Leu; replaces proline 138 with leucine.
Molecular consequence: missense variant.
Genome position (GRCh38, 1-based): chr1:179,882,915, C>T. VCF-style: chr1-179882915-C-T. GRCh37 (hg19) VCF-style: chr1-179852050-C-T.
Other names: c.413C>T, p.Pro138Leu (NM_001267578.2); short protein forms P138L.
Identifiers: ClinVar variation 1472610 (VCV001472610.8), dbSNP rs1374010658, ClinGen allele CA343578264.

ClinVar aggregate classification (germline): Uncertain significance (1 of 4 stars; one submission).

Conditions:
Autosomal recessive limb-girdle muscular dystrophy type 2Y (MRRSDC). Also called: Muscular dystrophy, limb-girdle, type 2y; Muscular dystrophy, autosomal recessive, with rigid spine and distal joint contractures. Identifiers: Orphanet 424261, MedGen C4511482, MONDO:0014900, OMIM 617072.

Allele frequency attached by ClinVar (database versions not stated): gnomAD exomes below 0.00001.
gnomAD v4.1: 6 of 1,614,092 alleles (0.00037%); highest among the groups gnomAD compares: Non-Finnish European, 0.00042%; no homozygotes.

Submission:

Labcorp Genetics (formerly Invitae), Labcorp
Classification: Uncertain significance for Autosomal recessive limb-girdle muscular dystrophy type 2Y. Last evaluated: 2021-05-04. Review status: criteria provided, single submitter. Criteria: Invitae Variant Classification Sherloc (09022015). Collection method: clinical testing. Allele origin: germline.
Comment: This sequence change replaces proline with leucine at codon 138 of the TOR1AIP1 protein (p.Pro138Leu). The proline residue is weakly conserved and there is a moderate physicochemical difference between proline and leucine. This variant is not present in population databases (ExAC no frequency). This variant has not been reported in the literature in individuals with TOR1AIP1-related conditions. Algorithms developed to predict the effect of missense changes on protein structure and function (SIFT, PolyPhen-2, Align-GVGD) all suggest that this variant is likely to be tolerated, but these predictions have not been confirmed by published functional studies and their clinical significance is uncertain. In summary, the available evidence is currently insufficient to determine the role of this variant in disease. Therefore, it has been classified as a Variant of Uncertain Significance.